The following is an entry in ClinVar:

NM_033380.3(COL4A5):c.2768G>A (p.Gly923Asp)

Gene: COL4A5 (collagen type IV alpha 5 chain; plus strand). Cytogenetic location: Xq22.3.
Variant type: single nucleotide variant.
Coding change: c.2768G>A on transcript NM_033380.3 (MANE Select); coding-DNA position 2768, G replaced by A.
Protein change: p.Gly923Asp; replaces glycine 923 with aspartic acid.
Molecular consequence: missense variant.
Genome position (GRCh38, 1-based): chrX:108,622,676, G>A. VCF-style: chrX-108622676-G-A. GRCh37 (hg19) VCF-style: chrX-107865906-G-A.
Other names: c.2768G>A, p.Gly923Asp (NM_000495.5); short protein forms G923D.
Identifiers: ClinVar variation 4850526 (VCV004850526.1).
Genomic context (GRCh38, chrX:108,622,676, plus strand): 5'-ATGCATTAATCTTTGATGGATAAAATTGATATATTGTGTTTTCACACACATTGATTTTAG[G>A]TGATGATGGCTTGCAGGGTCAGCCAGGACTTCCTGGCCCTACAGGAGAAAAAGGTAGTAA-3'
Protein context (NP_203699.1, residues 913-933): PGRSGVPGLK[Gly923Asp]DDGLQGQPGL

ClinVar aggregate classification (germline): Likely pathogenic (1 of 4 stars; one submission).

Conditions:
Hematuria. Identifiers: MedGen C0018965, HP:0000790.

Submission:

Genetics Laboratory, Great Ormond Street Hospital NHS Foundation Trust, North Thames Genomic Laboratory Hub
Classification: Likely pathogenic for Haematuria. Last evaluated: 2026-03-13. Review status: criteria provided, single submitter. Criteria: ACGS Best Practice Guidelines for Variant Classification in Rare Disease 2024 v1.2. Collection method: clinical testing. Allele origin: germline. Affected: yes.
Comment: PM2_moderate, PP3_supporting, PM5_supporting, PM1_strong